The following is an entry in ClinVar:

NM_015040.4(PIKFYVE):c.1983C>A (p.Ile661=)

Gene: PIKFYVE (phosphoinositide kinase, FYVE-type zinc finger containing; plus strand). Cytogenetic location: 2q34.
Variant type: single nucleotide variant.
Coding change: c.1983C>A on transcript NM_015040.4 (MANE Select); coding-DNA position 1983, C replaced by A.
Protein change: p.Ile661=; no amino-acid change (isoleucine 661 retained).
Molecular consequence: synonymous variant.
Genome position (GRCh38, 1-based): chr2:208,315,349, C>A. VCF-style: chr2-208315349-C-A. GRCh37 (hg19) VCF-style: chr2-209180073-C-A.
Identifiers: ClinVar variation 333896 (VCV000333896.10), dbSNP rs41305979, ClinGen allele CA2079689.
Genomic context (GRCh38, chr2:208,315,349, plus strand): 5'-CTGCCAGGTTGTTCAGACAGTCCGACCTGATGTCAAGAACCAGGATGATGACATGGATAT[C>A]CGTCAGTTTGTCCACATCAAAAAAGTGAGCTCTGCTAATGTTTTACTAATGCTAGGAACT-3'
Protein context (NP_055855.2, residues 651-671): DVKNQDDDMD[Ile661=]RQFVHIKKIP

ClinVar aggregate classification (germline): Benign. Review status: criteria provided, multiple submitters, no conflicts (2 of 4 stars). 3 submissions from 3 submitters: Benign (3). Last evaluated 2026-01-13.

Conditions:
Fleck corneal dystrophy (CFD). Also called: CORNEAL DYSTROPHY, FRANCOIS-NEETENS SPECKLED OR FLECKED. Identifiers: Orphanet 98970, MedGen C1562113, MONDO:0007376, OMIM 121850.

Allele frequency attached by ClinVar (database versions not stated): 1000 Genomes Project 0.01018; 1000 Genomes Project 30x 0.01031; gnomAD 0.02023 and 0.02061; gnomAD exomes 0.02040 and 0.03005; TOPMed 0.02077; ExAC 0.02170; ESP Exome Variant Server 0.02568.
gnomAD v4.1: 46,703 of 1,614,030 alleles (2.9%); highest among the groups gnomAD compares: Non-Finnish European, 3.6%; 775 homozygotes.

Submissions (3):

Labcorp Genetics (formerly Invitae), Labcorp
Classification: Benign. Last evaluated: 2026-01-13. Review status: criteria provided, single submitter. Criteria: Invitae Variant Classification Sherloc (09022015). Collection method: clinical testing. Allele origin: germline.

Illumina Laboratory Services, Illumina
Classification: Benign for Fleck corneal dystrophy. Last evaluated: 2018-01-12. Review status: criteria provided, single submitter. Criteria: ICSL Variant Classification Criteria 13 December 2019. Collection method: clinical testing. Allele origin: germline.
Comment: This variant was observed in the ICSL laboratory as part of a predisposition screen in an ostensibly healthy population. It had not been previously curated by ICSL or reported in the Human Gene Mutation Database (HGMD: prior to June 1st, 2018), and was therefore a candidate for classification through an automated scoring system. Utilizing variant allele frequency, disease prevalence and penetrance estimates, and inheritance mode, an automated score was calculated to assess if this variant is too frequent to cause the disease. Based on the score and internal cut-off values, a variant classified as benign is not then subjected to further curation. The score for this variant resulted in a classification of benign for this disease.

Breakthrough Genomics
Classification: Benign. Review status: criteria provided, single submitter. Criteria: ACMG Guidelines, 2015. Collection method: not provided. Allele origin: germline. Inheritance: Autosomal dominant inheritance. Affected: yes.